The following is an entry in ClinVar:

NM_001366244.2(GOLGA2):c.708G>A (p.Gln236=)

Gene: GOLGA2 (golgin A2; minus strand). Cytogenetic location: 9q34.11.
Variant type: single nucleotide variant.
Coding change: c.708G>A on transcript NM_001366244.2 (MANE Select); coding-DNA position 708, G replaced by A.
Protein change: p.Gln236=; no amino-acid change (glutamine 236 retained).
Molecular consequence: synonymous variant.
Genome position (GRCh38, 1-based): chr9:128,265,994, C>T on the plus strand (G>A on the coding strand, the complement: GOLGA2 is on the minus strand). VCF-style: chr9-128265994-C-T. GRCh37 (hg19) VCF-style: chr9-131028273-C-T.
Other names: c.627G>A, p.Gln209= (NM_001366246.2, NM_001389697.2, NM_001389698.2 and 1 more transcripts); c.693G>A, p.Gln231= (NM_001389695.2); c.708G>A, p.Gln236= (NM_001389696.2); c.588G>A, p.Gln196= (NM_001389699.2, NM_001389700.2); c.546G>A, p.Gln182= (NM_001389701.2); c.522G>A, p.Gln174= (NM_001389702.2); c.507G>A, p.Gln169= (NM_001389703.2); c.273G>A, p.Gln91= (NM_001389704.2); and 1 more.
Identifiers: ClinVar variation 4084163 (VCV004084163.8).

ClinVar aggregate classification (germline): Likely benign (1 of 4 stars; one submission).

gnomAD v4.1: 954 of 1,613,672 alleles (0.059%); highest among the groups gnomAD compares: South Asian, 0.99%; 11 homozygotes.

Submission:

CeGaT Center for Human Genetics Tuebingen
Classification: Likely benign. Last evaluated: 2025-10-01. Review status: criteria provided, single submitter. Criteria: CeGaT Center For Human Genetics Tuebingen Variant Classification Criteria Version 2. Collection method: clinical testing. Allele origin: germline. Affected: yes. Observed: 2 variant alleles.
Comment: GOLGA2: BP4, BP7